The following is an entry in ClinVar:

NM_001384140.1(PCDH15):c.3123-238A>G

Gene: PCDH15 (protocadherin related 15; minus strand). Cytogenetic location: 10q21.1.
Variant type: single nucleotide variant.
Coding change: c.3123-238A>G on transcript NM_001384140.1 (MANE Select); 238 bases into the intron before coding-DNA position 3123, A replaced by G.
Molecular consequence: intron variant.
Genome position (GRCh38, 1-based): chr10:53,941,213, T>C on the plus strand (A>G on the coding strand, the complement: PCDH15 is on the minus strand). VCF-style: chr10-53941213-T-C. GRCh37 (hg19) VCF-style: chr10-55700973-T-C.
Other names: c.3123-238A>G (NM_001354420.2, NM_001354429.2, NM_001142772.2 and 4 more transcripts); c.3138-238A>G (NM_001142771.2, NM_001142763.2); c.3144-238A>G (NM_001354411.2); c.3159-238A>G (NM_001142769.3); c.3057-238A>G (NM_001354404.2, NM_001142773.2, NM_001142768.2); c.3012-238A>G (NM_001142767.2); c.2910-238A>G (NM_001142765.2).
Identifiers: ClinVar variation 678861 (VCV000678861.1), dbSNP rs2384340, ClinGen allele CA13341497.

ClinVar aggregate classification (germline): Benign (1 of 4 stars; one submission).

Allele frequency attached by ClinVar (database versions not stated): gnomAD 0.76329 and 0.75849; TOPMed 0.77690; 1000 Genomes Project 30x 0.83292; 1000 Genomes Project 0.83826.
gnomAD v4.1: 115,789 of 151,456 alleles (76%); highest among the groups gnomAD compares: East Asian, 100%; 44,664 homozygotes.

Submission:

GeneDx
Classification: Benign. Last evaluated: 2018-06-14. Review status: criteria provided, single submitter. Criteria: GeneDx Variant Classification (06012015). Collection method: clinical testing. Allele origin: germline. Affected: yes.
Comment: This variant is considered likely benign or benign based on one or more of the following criteria: it is a conservative change, it occurs at a poorly conserved position in the protein, it is predicted to be benign by multiple in silico algorithms, and/or has population frequency not consistent with disease.